The following is an entry in ClinVar:

NM_053025.4(MYLK):c.729G>A (p.Ser243=)

Gene: MYLK (myosin light chain kinase; minus strand). Cytogenetic location: 3q21.1.
Variant type: single nucleotide variant.
Coding change: c.729G>A on transcript NM_053025.4 (MANE Select); coding-DNA position 729, G replaced by A.
Protein change: p.Ser243=; no amino-acid change (serine 243 retained).
Molecular consequence: synonymous variant.
Genome position (GRCh38, 1-based): chr3:123,737,403, C>T on the plus strand (G>A on the coding strand, the complement: MYLK is on the minus strand). VCF-style: chr3-123737403-C-T. GRCh37 (hg19) VCF-style: chr3-123456250-C-T.
Other names: c.201G>A, p.Ser67= (NM_001321309.2); c.729G>A, p.Ser243= (NM_053026.4, NM_053027.4, NM_053028.4).
Identifiers: ClinVar variation 668450 (VCV000668450.8), dbSNP rs374159537, ClinGen allele CA073505.
Genomic context (GRCh38, chr3:123,737,403, plus strand): 5'-GGATCGTTCTGCACTAGCCGTCCACTGGTCGATACCTTGGATGGAAAGTTCAGCTGACAT[C>T]GAGGCCTTCCCCGACCCGTTCACCACCAGGCACGTGTACACTCCCACGTCATCTTGGTTG-3'
Protein context (NP_444253.3, residues 233-253): CLVVNGSGKA[Ser243=]MSAELSIQGL

ClinVar aggregate classification (germline): Likely benign. Review status: criteria provided, multiple submitters, no conflicts (2 of 4 stars). 2 submissions from 2 submitters: Likely benign (2). Last evaluated 2025-03-11.

Conditions:
Aortic aneurysm, familial thoracic 7 (AAT7). Also called: AORTIC DISSECTION, FAMILIAL, WITH OR WITHOUT AORTIC ANEURYSM. Identifiers: MedGen C3151077, MONDO:0013418, OMIM 613780.

Allele frequency attached by ClinVar (database versions not stated): gnomAD exomes below 0.00001; ExAC 0.00001; gnomAD 0.00001; TOPMed 0.00002; ESP Exome Variant Server 0.00008.
gnomAD v4.1: 5 of 1,613,994 alleles (0.00031%); highest among the groups gnomAD compares: Non-Finnish European, 0.00034%; no homozygotes.

Submissions (2):

Labcorp Genetics (formerly Invitae), Labcorp
Classification: Likely benign for Aortic aneurysm, familial thoracic 7. Last evaluated: 2025-03-11. Review status: criteria provided, single submitter. Criteria: Invitae Variant Classification Sherloc (09022015). Collection method: clinical testing. Allele origin: germline.

GeneDx
Classification: Likely benign. Last evaluated: 2018-05-18. Review status: criteria provided, single submitter. Criteria: GeneDx Variant Classification (06012015). Collection method: clinical testing. Allele origin: germline. Affected: yes.
Comment: This variant is considered likely benign or benign based on one or more of the following criteria: it is a conservative change, it occurs at a poorly conserved position in the protein, it is predicted to be benign by multiple in silico algorithms, and/or has population frequency not consistent with disease.